The following is an entry in ClinVar:

ClinVar aggregate classification (germline): Uncertain significance (1 of 4 stars; one submission).

Conditions:
Hereditary pancreatitis (PCTT). Also called: Hereditary chronic pancreatitis; PRSS1-Related Hereditary Pancreatitis. Identifiers: Orphanet 676, MedGen C0238339, MONDO:0008185, OMIM 167800.

Submission:

Labcorp Genetics (formerly Invitae), Labcorp
Classification: Uncertain significance for Hereditary pancreatitis. Last evaluated: 2024-05-28. Review status: criteria provided, single submitter. Criteria: Invitae Variant Classification Sherloc (09022015). Collection method: clinical testing. Allele origin: germline.
Comment: This sequence change replaces lysine, which is basic and polar, with isoleucine, which is neutral and non-polar, at codon 237 of the PRSS1 protein (p.Lys237Ile). This variant is not present in population databases (gnomAD no frequency). This variant has not been reported in the literature in individuals affected with PRSS1-related conditions. Advanced modeling of protein sequence and biophysical properties (such as structural, functional, and spatial information, amino acid conservation, physicochemical variation, residue mobility, and thermodynamic stability) performed at Invitae indicates that this missense variant is not expected to disrupt PRSS1 protein function with a negative predictive value of 80%. In summary, the available evidence is currently insufficient to determine the role of this variant in disease. Therefore, it has been classified as a Variant of Uncertain Significance.

NM_002769.5(PRSS1):c.710A>T (p.Lys237Ile)

Genes: PRSS1 (serine protease 1; plus strand), TRB (T cell receptor beta locus; plus strand). Cytogenetic location: 7q34.
Variant type: single nucleotide variant.
Coding change: c.710A>T on transcript NM_002769.5 (MANE Select); coding-DNA position 710, A replaced by T.
Protein change: p.Lys237Ile; replaces lysine 237 with isoleucine.
Molecular consequence: missense variant. On other transcripts: non-coding transcript variant (5).
Genome position (GRCh38, 1-based): chr7:142,752,986, A>T. VCF-style: chr7-142752986-A-T. GRCh37 (hg19) VCF-style: chr7-142460837-A-T.
Other names: short protein forms K237I.
Identifiers: ClinVar variation 3679707 (VCV003679707.2).
Genomic context (GRCh38, chr7:142,752,986, plus strand): 5'-GTGATGGCTGTGCCCAGAAGAACAAGCCTGGAGTCTACACCAAGGTCTACAACTATGTGA[A>T]ATGGATTAAGAACACCATAGCTGCCAATAGCTAAAGCCCCCAGTATCTCTTCAGTCTCTA-3'
Protein context (NP_002760.1, residues 227-247): GVYTKVYNYV[Lys237Ile]WIKNTIAANS